The following is an entry in ClinVar:

NM_005751.5(AKAP9):c.11291G>A (p.Arg3764Lys)

Gene: AKAP9 (A-kinase anchoring protein 9; plus strand). Cytogenetic location: 7q21.2.
Variant type: single nucleotide variant.
Coding change: c.11291G>A on transcript NM_005751.5 (MANE Select); coding-DNA position 11291, G replaced by A.
Protein change: p.Arg3764Lys; replaces arginine 3764 with lysine.
Molecular consequence: missense variant.
Genome position (GRCh38, 1-based): chr7:92,102,787, G>A. VCF-style: chr7-92102787-G-A. GRCh37 (hg19) VCF-style: chr7-91732101-G-A.
Other names: c.5936G>A, p.Arg1979Lys (NM_001379277.1); c.11267G>A, p.Arg3756Lys (NM_147185.3); short protein forms R3756K, R1979K, R3764K.
Identifiers: ClinVar variation 1437996 (VCV001437996.15), dbSNP rs146264747, ClinGen allele CA4338134.

ClinVar aggregate classification (germline): Uncertain significance. Review status: criteria provided, multiple submitters, no conflicts (2 of 4 stars). 4 submissions from 4 submitters: Uncertain significance (4). Last evaluated 2025-03-25.

Conditions:
Cardiovascular phenotype. Identifiers: MedGen CN230736.
Long QT syndrome 11 (LQT11). Identifiers: Orphanet 101016, Orphanet 768, MedGen C2678483, MONDO:0012738, OMIM 611820.
Long QT syndrome (LQTS). Identifiers: MedGen C0023976, MeSH D008133, MONDO:0002442. Disease mechanism: loss of function. Inheritance: Various modes of inheritance.

Allele frequency attached by ClinVar (database versions not stated): gnomAD exomes 0.00003 and 0.00007; ExAC 0.00005; gnomAD 0.00005; TOPMed 0.00005; ESP Exome Variant Server 0.00015.
gnomAD v4.1: 114 of 1,614,096 alleles (0.0071%); highest among the groups gnomAD compares: Non-Finnish European, 0.0091%; no homozygotes.

Submissions (4):

Labcorp Genetics (formerly Invitae), Labcorp
Classification: Uncertain significance for Long QT syndrome. Last evaluated: 2025-03-25. Review status: criteria provided, single submitter. Criteria: Invitae Variant Classification Sherloc (09022015). Collection method: clinical testing. Allele origin: germline.
Comment: This sequence change replaces arginine, which is basic and polar, with lysine, which is basic and polar, at codon 3764 of the AKAP9 protein (p.Arg3764Lys). This variant is present in population databases (rs146264747, gnomAD 0.006%). This variant has not been reported in the literature in individuals affected with AKAP9-related conditions. ClinVar contains an entry for this variant (Variation ID: 1437996). An algorithm developed to predict the effect of missense changes on protein structure and function (PolyPhen-2) suggests that this variant is likely to be disruptive. In summary, the available evidence is currently insufficient to determine the role of this variant in disease. Therefore, it has been classified as a Variant of Uncertain Significance.

Ambry Genetics
Classification: Uncertain significance for Cardiovascular phenotype. Last evaluated: 2025-01-18. Review status: criteria provided, single submitter. Criteria: Ambry Variant Classification Scheme 2023. Collection method: clinical testing. Allele origin: germline.

Revvity Omics, Revvity
Classification: Uncertain significance for Long QT syndrome 11. Last evaluated: 2021-12-14. Review status: criteria provided, single submitter. Criteria: ACMG Guidelines, 2015. Collection method: clinical testing. Allele origin: germline.

Fulgent Genetics
Classification: Uncertain significance for Long QT syndrome 11. Last evaluated: 2021-08-19. Review status: criteria provided, single submitter. Criteria: ACMG Guidelines, 2015. Collection method: clinical testing. Allele origin: unknown.